The following is an entry in ClinVar:

ClinVar aggregate classification (germline): Uncertain significance (1 of 4 stars; one submission).

Submission:

GeneDx
Classification: Uncertain significance. Last evaluated: 2022-07-11. Review status: criteria provided, single submitter. Criteria: GeneDx Variant Classification Process June 2021. Collection method: clinical testing. Allele origin: germline. Affected: yes.
Comment: Not observed at significant frequency in large population cohorts (gnomAD); In silico analysis supports that this missense variant does not alter protein structure/function; Has not been previously published as pathogenic or benign to our knowledge

NM_015898.4(ZBTB7A):c.1648C>T (p.Pro550Ser)

Gene: ZBTB7A (zinc finger and BTB domain containing 7A; minus strand). Cytogenetic location: 19p13.3.
Variant type: single nucleotide variant.
Coding change: c.1648C>T on transcript NM_015898.4 (MANE Select); coding-DNA position 1648, C replaced by T.
Protein change: p.Pro550Ser; replaces proline 550 with serine.
Molecular consequence: missense variant.
Genome position (GRCh38, 1-based): chr19:4,047,859, G>A on the plus strand (C>T on the coding strand, the complement: ZBTB7A is on the minus strand). VCF-style: chr19-4047859-G-A. GRCh37 (hg19) VCF-style: chr19-4047857-G-A.
Other names: c.1648C>T, p.Pro550Ser (NM_001317990.2); short protein forms P550S.
Identifiers: ClinVar variation 1879002 (VCV001879002.1), dbSNP rs2040442787, ClinGen allele CA403382860.